The following is an entry in ClinVar:

NM_002734.5(PRKAR1A):c.503-13dup

Gene: PRKAR1A (protein kinase cAMP-dependent type I regulatory subunit alpha; plus strand). Cytogenetic location: 17q24.2.
Variant type: Duplication.
Coding change: c.503-13dup on transcript NM_002734.5 (MANE Select); 13 bases into the intron before coding-DNA position 503, one base duplicated (T; older notation c.503-13dupT).
Molecular consequence: intron variant.
Genome position (GRCh38, 1-based): chr17:68,524,899, T duplicated; the last of 6 consecutive T bases (chr17:68,524,894-68,524,899); duplicating any one gives the same sequence. VCF-style (leftmost placement, unchanged base first): chr17-68524893-C-CT. GRCh37 (hg19) VCF-style: chr17-66521034-C-CT.
Other names: c.503-13dup (NM_001278433.2, NM_001369389.1, NM_212471.3 and 4 more transcripts).
Identifiers: ClinVar variation 1562854 (VCV001562854.10), dbSNP rs138285568, ClinGen allele CA8729290.
Genomic context (GRCh38, chr17:68,524,893, plus strand): 5'-AGTTTATTGTTTTGTAATAATTTTGATAATTTCTTTCTTTAATTTGGAATATGCTTCTAA[C>CT]TTTTTTACCCTCTTTTAGGTGATGAAGGGGATAACTTCTATGTGATTGATCAAGGAGAGA-3'

ClinVar aggregate classification (germline): Benign/Likely benign. Review status: criteria provided, multiple submitters, no conflicts (2 of 4 stars). 4 submissions from 4 submitters: Benign (1); Likely benign (3). Last evaluated 2026-01-31.

Conditions:
Familial atrial myxoma. Identifiers: Orphanet 615, MedGen C2931787, MONDO:0009719, OMIM 255960.
Carney complex, type 1 (CNC1). Also called: CARNEY COMPLEX, TYPE I; CARNEY MYXOMA-ENDOCRINE COMPLEX. Identifiers: Orphanet 1359, MedGen C2607929, MONDO:0008057, OMIM 160980.
Acrodysostosis 1 with or without hormone resistance (ACRDYS1). Also called: ACRODYSOSTOSIS 1 WITH HORMONE RESISTANCE; ACRODYSOSTOSIS 1 WITHOUT HORMONE RESISTANCE; ACRODYSOSTOSIS WITH HORMONE RESISTANCE. Identifiers: Orphanet 280651, MedGen C3276228, MONDO:0007044, OMIM 101800.
Pigmented nodular adrenocortical disease, primary, 1 (PPNAD1). Also called: PIGMENTED MICRONODULAR ADRENOCORTICAL DISEASE, PRIMARY, 1; ADRENOCORTICAL NODULAR DYSPLASIA, PRIMARY; CUSHING SYNDROME, ADRENAL, DUE TO PPNAD1. Identifiers: Orphanet 189439, MedGen C1864846, MONDO:0012509, OMIM 610489.

Submissions (4):

Labcorp Genetics (formerly Invitae), Labcorp
Classification: Benign for Carney complex, type 1. Last evaluated: 2026-01-31. Review status: criteria provided, single submitter. Criteria: Invitae Variant Classification Sherloc (09022015). Collection method: clinical testing. Allele origin: germline.

Blueprint Genetics
Classification: Likely benign. Last evaluated: 2024-10-24. Review status: criteria provided, single submitter. Criteria: ACMG Guidelines, 2015. Collection method: clinical testing. Allele origin: germline.

GeneDx
Classification: Likely benign. Last evaluated: 2023-10-24. Review status: criteria provided, single submitter. Criteria: GeneDx Variant Classification Process June 2021. Collection method: clinical testing. Allele origin: germline. Affected: yes.
Comment: See Variant Classification Assertion Criteria.

Fulgent Genetics
Classification: Likely benign for Acrodysostosis 1 with or without hormone resistance; Carney complex, type 1; Familial atrial myxoma; Pigmented nodular adrenocortical disease, primary, 1. Last evaluated: 2021-12-30. Review status: criteria provided, single submitter. Criteria: ACMG Guidelines, 2015. Collection method: clinical testing. Allele origin: unknown.